The following is an entry in ClinVar:

ClinVar aggregate classification (germline): Likely benign. Review status: criteria provided, single submitter (1 of 4 stars). 2 submissions from 2 submitters: Likely benign (1). 1 of the submissions does not count toward it. Last evaluated 2025-12-08.

Conditions:
KCND2-related disorder. Also called: KCND2-related condition.
Early Myoclonic Encephalopathy. Identifiers: MedGen C0270855.

Allele frequency attached by ClinVar (database versions not stated): gnomAD 0.00005; ExAC 0.00005; ESP Exome Variant Server 0.00008; 1000 Genomes Project 30x 0.00016; 1000 Genomes Project 0.00020.
gnomAD v4.1: 39 of 1,613,540 alleles (0.0024%); highest among the groups gnomAD compares: Admixed American, 0.027%; no homozygotes.

Submissions (2):

Labcorp Genetics (formerly Invitae), Labcorp
Classification: Likely benign for Early Myoclonic Encephalopathy. Last evaluated: 2025-12-08. Review status: criteria provided, single submitter. Criteria: Invitae Variant Classification Sherloc (09022015). Collection method: clinical testing. Allele origin: germline.

PreventionGenetics, part of Exact Sciences
Classification: Likely benign for KCND2-related condition. Last evaluated: 2019-03-29. Review status: no assertion criteria provided. Collection method: clinical testing. Allele origin: germline. Not counted in ClinVar's aggregate classification.
Comment: This variant is classified as likely benign based on ACMG/AMP sequence variant interpretation guidelines (Richards et al. 2015 PMID: 25741868, with internal and published modifications).

NM_012281.3(KCND2):c.1173G>A (p.Ser391=)

Gene: KCND2 (potassium voltage-gated channel subfamily D member 2; plus strand). Cytogenetic location: 7q31.31.
Variant type: single nucleotide variant.
Coding change: c.1173G>A on transcript NM_012281.3 (MANE Select); coding-DNA position 1173, G replaced by A.
Protein change: p.Ser391=; no amino-acid change (serine 391 retained).
Molecular consequence: synonymous variant.
Genome position (GRCh38, 1-based): chr7:120,732,960, G>A. VCF-style: chr7-120732960-G-A. GRCh37 (hg19) VCF-style: chr7-120373014-G-A.
Other names: c.1173G>A (NM_012281.2).
Identifiers: ClinVar variation 1081873 (VCV001081873.11), dbSNP rs367909110, ClinGen allele CA4453597.
Genomic context (GRCh38, chr7:120,732,960, plus strand): 5'-CAGGTATGGTGACATGGTGCCAAAAACCATAGCAGGGAAGATTTTTGGTTCTATCTGTTC[G>A]CTGAGTGGGGTCTTGGTCATTGCTCTACCTGTTCCGGTGATTGTATCCAACTTCAGTCGC-3'
Protein context (NP_036413.1, residues 381-401): IAGKIFGSIC[Ser391=]LSGVLVIALP